The following is an entry in ClinVar:

NM_001194998.2(CEP152):c.2598G>A (p.Trp866Ter)

Gene: CEP152 (centrosomal protein 152; minus strand). Cytogenetic location: 15q21.1.
Variant type: single nucleotide variant.
Coding change: c.2598G>A on transcript NM_001194998.2 (MANE Select); coding-DNA position 2598, G replaced by A.
Protein change: p.Trp866Ter; replaces tryptophan 866 with a stop codon.
Molecular consequence: nonsense.
Genome position (GRCh38, 1-based): chr15:48,760,231, C>T on the plus strand (G>A on the coding strand, the complement: CEP152 is on the minus strand). VCF-style: chr15-48760231-C-T. GRCh37 (hg19) VCF-style: chr15-49052428-C-T.
Other names: c.2598G>A (NM_001194998.1); c.2598G>A, p.Trp866Ter (NM_014985.4); short protein forms W866*.
Identifiers: ClinVar variation 644237 (VCV000644237.12), dbSNP rs776652341, ClinGen allele CA7548515.

ClinVar aggregate classification (germline): Pathogenic/Likely pathogenic. Review status: criteria provided, multiple submitters, no conflicts (2 of 4 stars). 5 submissions from 5 submitters: Pathogenic (3); Likely pathogenic (2). Last evaluated 2026-04-02.

Conditions:
CEP152-related disorder. Also called: CEP152-related condition; CEP152-related disorders. Identifiers: MedGen CN239248.

Allele frequency attached by ClinVar (database versions not stated): ExAC 0.00002; gnomAD exomes 0.00003 and 0.00008; gnomAD 0.00004; TOPMed 0.00005.
gnomAD v4.1: 118 of 1,613,904 alleles (0.0073%); highest among the groups gnomAD compares: Non-Finnish European, 0.0097%; no homozygotes.

Submissions (5):

PreventionGenetics, part of Exact Sciences
Classification: Likely pathogenic for CEP152-related condition. Last evaluated: 2026-04-02. Review status: criteria provided, single submitter. Criteria: ACMG Guidelines, 2015. Collection method: clinical testing. Allele origin: germline.
Comment: The CEP152 c.2598G>A variant is predicted to result in premature protein termination (p.Trp866*). To our knowledge, this variant has not been reported in the literature. This variant is reported in 0.0062% of alleles in individuals of European (Non-Finnish) descent in gnomAD. Nonsense variants in CEP152 are expected to be pathogenic. This variant is interpreted as likely pathogenic.

Laboratory of Genetics, Children's Clinical University Hospital Latvia
Classification: Pathogenic. Last evaluated: 2025-02-16. Review status: criteria provided, single submitter. Criteria: ACMG Guidelines, 2015. Collection method: clinical testing. Allele origin: germline. Affected: yes.

Labcorp Genetics (formerly Invitae), Labcorp
Classification: Pathogenic. Last evaluated: 2024-02-17. Review status: criteria provided, single submitter. Criteria: Invitae Variant Classification Sherloc (09022015). Collection method: clinical testing. Allele origin: germline.
Comment: This sequence change creates a premature translational stop signal (p.Trp866*) in the CEP152 gene. It is expected to result in an absent or disrupted protein product. Loss-of-function variants in CEP152 are known to be pathogenic (PMID: 21131973). This variant is present in population databases (rs776652341, gnomAD 0.008%). This variant has not been reported in the literature in individuals affected with CEP152-related conditions. ClinVar contains an entry for this variant (Variation ID: 644237). For these reasons, this variant has been classified as Pathogenic.

Blueprint Genetics
Classification: Likely pathogenic for CEP152-related disorders. Last evaluated: 2023-05-23. Review status: criteria provided, single submitter. Criteria: ACMG Guidelines, 2015. Collection method: clinical testing. Allele origin: germline. Affected: yes. Observed: 5 variant alleles.

Revvity Omics, Revvity
Classification: Pathogenic. Last evaluated: 2019-11-11. Review status: criteria provided, single submitter. Criteria: ACMG Guidelines, 2015. Collection method: clinical testing. Allele origin: germline.

Literature cited by the submitters: PubMed 21131973 (cited by Labcorp Genetics (formerly Invitae), Labcorp).